The following is an entry in ClinVar:

NM_004260.4(RECQL4):c.2200+1G>A

Gene: RECQL4 (RecQ like helicase 4; minus strand). Cytogenetic location: 8q24.3.
Variant type: single nucleotide variant.
Coding change: c.2200+1G>A on transcript NM_004260.4 (MANE Select); the canonical splice donor site of the intron after coding-DNA position 2200, G replaced by A.
Molecular consequence: splice donor variant.
Genome position (GRCh38, 1-based): chr8:144,513,570, C>T on the plus strand (G>A on the coding strand, the complement: RECQL4 is on the minus strand). VCF-style: chr8-144513570-C-T. GRCh37 (hg19) VCF-style: chr8-145738954-C-T.
Other names: c.2071+1G>A (NM_001413025.1); c.1849+1G>A (NM_001413029.1); c.1063+1G>A (NM_001413032.1, NM_001413027.1, NM_001413030.1 and 1 more transcripts); c.1129+1G>A (NM_001413035.1, NM_001413040.1, NM_001413021.1 and 6 more transcripts); c.2104+1G>A (NM_001413017.1, NM_001413020.1); c.2170+1G>A (NM_001413039.1); c.2068+1G>A (NM_001413033.1); c.2200+1G>A (NM_001413018.1, NM_001413036.1, NM_001413019.1); and 4 more.
Identifiers: ClinVar variation 2149236 (VCV002149236.4), dbSNP rs2538016493, ClinGen allele CA372679545.

ClinVar aggregate classification (germline): Likely pathogenic (1 of 4 stars; one submission).

Conditions:
Baller-Gerold syndrome (BGS). Also called: CRANIOSYNOSTOSIS WITH RADIAL DEFECTS. Identifiers: Orphanet 1225, MedGen C0265308, MONDO:0009039, OMIM 218600.

Submission:

Labcorp Genetics (formerly Invitae), Labcorp
Classification: Likely pathogenic for Baller-Gerold syndrome. Last evaluated: 2023-10-23. Review status: criteria provided, single submitter. Criteria: Invitae Variant Classification Sherloc (09022015). Collection method: clinical testing. Allele origin: germline.
Comment: This sequence change affects a donor splice site in intron 13 of the RECQL4 gene. It is expected to disrupt RNA splicing. Variants that disrupt the donor or acceptor splice site typically lead to a loss of protein function (PMID: 16199547), and loss-of-function variants in RECQL4 are known to be pathogenic (PMID: 12734318, 12952869). This variant is not present in population databases (gnomAD no frequency). This variant has not been reported in the literature in individuals affected with RECQL4-related conditions. ClinVar contains an entry for this variant (Variation ID: 2149236). Algorithms developed to predict the effect of sequence changes on RNA splicing suggest that this variant may disrupt the consensus splice site. In summary, the currently available evidence indicates that the variant is pathogenic, but additional data are needed to prove that conclusively. Therefore, this variant has been classified as Likely Pathogenic.

Literature cited by the submitters: PubMed 16199547; PubMed 12734318; PubMed 12952869.